The following is an entry in ClinVar:

NM_015346.4(ZFYVE26):c.1658C>T (p.Ser553Leu)

Gene: ZFYVE26 (zinc finger FYVE-type containing 26; minus strand). Cytogenetic location: 14q24.1.
Variant type: single nucleotide variant.
Coding change: c.1658C>T on transcript NM_015346.4 (MANE Select); coding-DNA position 1658, C replaced by T.
Protein change: p.Ser553Leu; replaces serine 553 with leucine.
Molecular consequence: missense variant.
Genome position (GRCh38, 1-based): chr14:67,798,604, G>A on the plus strand (C>T on the coding strand, the complement: ZFYVE26 is on the minus strand). VCF-style: chr14-67798604-G-A. GRCh37 (hg19) VCF-style: chr14-68265321-G-A.
Other names: short protein forms S553L.
Identifiers: ClinVar variation 2105927 (VCV002105927.2), dbSNP rs1201018773, ClinGen allele CA390176146.

ClinVar aggregate classification (germline): Uncertain significance (1 of 4 stars; one submission).

Conditions:
Spastic paraplegia. Identifiers: MedGen C0037772, HP:0001258.

Allele frequency attached by ClinVar (database versions not stated): TOPMed below 0.00001.
gnomAD v4.1: 3 of 1,614,000 alleles (0.00019%); highest among the groups gnomAD compares: Non-Finnish European, 0.00017%; no homozygotes.

Submission:

Labcorp Genetics (formerly Invitae), Labcorp
Classification: Uncertain significance for Spastic paraplegia. Last evaluated: 2022-03-03. Review status: criteria provided, single submitter. Criteria: Invitae Variant Classification Sherloc (09022015). Collection method: clinical testing. Allele origin: germline.
Comment: In summary, the available evidence is currently insufficient to determine the role of this variant in disease. Therefore, it has been classified as a Variant of Uncertain Significance. Algorithms developed to predict the effect of missense changes on protein structure and function (SIFT, PolyPhen-2, Align-GVGD) all suggest that this variant is likely to be tolerated. This variant has not been reported in the literature in individuals affected with ZFYVE26-related conditions. This variant is present in population databases (no rsID available, gnomAD 0.0009%). This sequence change replaces serine, which is neutral and polar, with leucine, which is neutral and non-polar, at codon 553 of the ZFYVE26 protein (p.Ser553Leu).